The following is an entry in ClinVar:

ClinVar aggregate classification (germline): Conflicting classifications of pathogenicity. Review status: no assertion criteria provided (0 of 4 stars). 3 submissions from 3 submitters: Pathogenic (2); Uncertain significance (1). Last evaluated 2023-10-24.

Conditions:
Distal hereditary motor neuropathy associated with upper motor neuron signs.
Neuronopathy, distal hereditary motor, autosomal recessive 10 (HMNR10). Also called: NEUROPATHY, DISTAL HEREDITARY MOTOR, AUTOSOMAL RECESSIVE 10; VRK1-RELATED MOTOR NEURON DISEASE. Identifiers: MedGen C5882703, MONDO:0957876, OMIM 620542.
Distal spinal muscular atrophy. Also called: Distal hereditary motor neuropathy; Distal hereditary motor neuronopathy. Identifiers: Orphanet 53739, MedGen C0393541, MONDO:0018894.

Submissions (3):

OMIM
Classification: Pathogenic for NEURONOPATHY, DISTAL HEREDITARY MOTOR, AUTOSOMAL RECESSIVE 10. Last evaluated: 2023-10-24. Review status: no assertion criteria provided. Collection method: literature only. Allele origin: germline.

Inherited Neuropathy Consortium
Classification: Uncertain significance for Distal spinal muscular atrophy. Review status: no assertion criteria provided. Collection method: research. Allele origin: inherited. Affected: yes.

Marseille Medical Genetics, U1251, Aix Marseille University, Inserm
Classification: Pathogenic for Distal hereditary motor neuropathy associated with upper motor neuron signs. Review status: no assertion criteria provided. Collection method: research. Allele origin: inherited, not applicable. Inheritance: Autosomal recessive inheritance. Affected: yes. Observed: 2 variant alleles, 2 compound heterozygotes. Clinical features observed: Motor axonal neuropathy (HP:0007002), Upper motor neuron dysfunction (HP:0002493). Functional consequence: probably has functional consequence.
Comment: Both variations are absent from the gnomAD database and from a local Lebanese exome database containing data from 118 exomes. They were segregating as expected in the family. Additionaly functional studies performed in patients fibroblasts, lymphoblasts and iPSC-derived motor neurons show that The mutations lead to severely reduced levels of VRK1 by impairing its stability, and to a shift of nuclear VRK1 to cytoplasm. Depletion of VRK1 from the nucleus alters the dynamics of coilin, a phosphorylation target of VRK1, by reducing its stability, through increased proteasomal degradation. In human induced Pluripotent Stem Cell-derived Motor Neurons from patients, we demonstrate that this drop in VRK1 levels leads to Cajal Bodies disassembly and defects in neurite outgrowth and branching. The mutations have no effect on the transcript levels. The effect of each mutation individually on protein stability has not been evaluated but when the mutations are in combination they have pathogenic effect, thereby we can extrapolate that both mutation meet our criteria to be classified as pathogenic.

Literature cited by the submitters: PubMed 31090908 (cited by OMIM).

NM_003384.3(VRK1):c.761G>T (p.Trp254Leu)

Gene: VRK1 (VRK serine/threonine kinase 1; plus strand). Cytogenetic location: 14q32.2.
Variant type: single nucleotide variant.
Coding change: c.761G>T on transcript NM_003384.3 (MANE Select); coding-DNA position 761, G replaced by T.
Protein change: p.Trp254Leu; replaces tryptophan 254 with leucine.
Molecular consequence: missense variant.
Genome position (GRCh38, 1-based): chr14:96,856,181, G>T. VCF-style: chr14-96856181-G-T. GRCh37 (hg19) VCF-style: chr14-97322518-G-T.
Other names: short protein forms W254L.
Identifiers: ClinVar variation 617789 (VCV000617789.7), dbSNP rs1172497555, ClinGen allele CA390931471.
Genomic context (GRCh38, chr14:96,856,181, plus strand): 5'-CATTTGTAGCCCCATCAAGACGTGGTGATTTGGAAATACTTGGTTATTGCATGATCCAAT[G>T]GCTTACTGGCCATCTTCCTTGGGAGGATAATTTGAAAGATCCTAAATATGTTAGAGATTC-3'
Protein context (NP_003375.1, residues 244-264): LEILGYCMIQ[Trp254Leu]LTGHLPWEDN